The following is an entry in ClinVar:

ClinVar aggregate classification (germline): Benign. Review status: criteria provided, multiple submitters, no conflicts (2 of 4 stars). 4 submissions from 4 submitters: Benign (4). Last evaluated 2026-02-02.

Conditions:
Retinal dystrophy. Also called: Inherited retinal dystrophy. Identifiers: Orphanet 71862, MedGen C0854723, MeSH D058499, MONDO:0019118, HP:0000556.
Retinitis pigmentosa (RP). Identifiers: Orphanet 791, MedGen C0035334, MeSH D012174, MONDO:0019200, OMIM 268000. Inheritance: Autosomal dominant, autosomal recessive and X linked inheritance.

Allele frequency attached by ClinVar (database versions not stated): ExAC 0.05216; gnomAD exomes 0.05408; 1000 Genomes Project 0.05471; 1000 Genomes Project 30x 0.05543; gnomAD 0.05546 and 0.05660; ESP Exome Variant Server 0.05551; TOPMed 0.05852.
gnomAD v4.1: 71,577 of 1,613,712 alleles (4.4%); highest among the groups gnomAD compares: Admixed American, 11%; 2,011 homozygotes.

Submissions (4):

Labcorp Genetics (formerly Invitae), Labcorp
Classification: Benign. Last evaluated: 2026-02-02. Review status: criteria provided, single submitter. Criteria: Invitae Variant Classification Sherloc (09022015). Collection method: clinical testing. Allele origin: germline.

Dept Of Ophthalmology, Nagoya University
Classification: Benign for Retinal dystrophy. Last evaluated: 2023-10-01. Review status: criteria provided, single submitter. Criteria: Submitter's publication. Collection method: research. Allele origin: germline. Affected: yes.

Illumina Laboratory Services, Illumina
Classification: Benign for Retinitis pigmentosa. Last evaluated: 2018-01-12. Review status: criteria provided, single submitter. Criteria: ICSL Variant Classification Criteria 13 December 2019. Collection method: clinical testing. Allele origin: germline.
Comment: This variant was observed in the ICSL laboratory as part of a predisposition screen in an ostensibly healthy population. It had not been previously curated by ICSL or reported in the Human Gene Mutation Database (HGMD: prior to June 1st, 2018), and was therefore a candidate for classification through an automated scoring system. Utilizing variant allele frequency, disease prevalence and penetrance estimates, and inheritance mode, an automated score was calculated to assess if this variant is too frequent to cause the disease. Based on the score and internal cut-off values, a variant classified as benign is not then subjected to further curation. The score for this variant resulted in a classification of benign for this disease.

GeneDx
Classification: Benign. Last evaluated: 2011-07-20. Review status: criteria provided, single submitter. Criteria: GeneDx Variant Classification (06012015). Collection method: clinical testing. Allele origin: germline. Affected: yes.
Comment: This variant is considered likely benign or benign based on one or more of the following criteria: it is a conservative change, it occurs at a poorly conserved position in the protein, it is predicted to be benign by multiple in silico algorithms, and/or has population frequency not consistent with disease.

NM_000440.3(PDE6A):c.2337T>C (p.Phe779=)

Gene: PDE6A (phosphodiesterase 6A; minus strand). Cytogenetic location: 5q32.
Variant type: single nucleotide variant.
Coding change: c.2337T>C on transcript NM_000440.3 (MANE Select); coding-DNA position 2337, T replaced by C.
Protein change: p.Phe779=; no amino-acid change (phenylalanine 779 retained).
Molecular consequence: synonymous variant.
Genome position (GRCh38, 1-based): chr5:149,866,191, A>G on the plus strand (T>C on the coding strand, the complement: PDE6A is on the minus strand). VCF-style: chr5-149866191-A-G. GRCh37 (hg19) VCF-style: chr5-149245754-A-G.
Other names: p.F779F:TTT>TTC.
Identifiers: ClinVar variation 138635 (VCV000138635.14), dbSNP rs17110644, ClinGen allele CA292709.